The following is an entry in ClinVar:

ClinVar aggregate classification (germline): Uncertain significance. Review status: criteria provided, multiple submitters, no conflicts (2 of 4 stars). 2 submissions from 2 submitters: Uncertain significance (2). Last evaluated 2024-06-25.

Conditions:
Diaphragmatic hernia 3 (DIH3). Identifiers: Orphanet 2140, MedGen C1857781, MONDO:0012431, OMIM 610187.
46,XY sex reversal 9 (SRXY9). Also called: 46,XY SEX REVERSAL, ZFPM2-RELATED. Identifiers: Orphanet 251510, MedGen C4015129, MONDO:0014480, OMIM 616067.

Allele frequency attached by ClinVar (database versions not stated): gnomAD below 0.00001 and 0.00001; gnomAD exomes 0.00002 and 0.00003; ExAC 0.00006; 1000 Genomes Project 30x 0.00016; 1000 Genomes Project 0.00020.
gnomAD v4.1: 30 of 1,613,942 alleles (0.0019%); highest among the groups gnomAD compares: South Asian, 0.032%; no homozygotes.

Submissions (2):

Labcorp Genetics (formerly Invitae), Labcorp
Classification: Uncertain significance for 46,XY sex reversal 9. Last evaluated: 2024-06-25. Review status: criteria provided, single submitter. Criteria: Invitae Variant Classification Sherloc (09022015). Collection method: clinical testing. Allele origin: germline.
Comment: This sequence change replaces lysine, which is basic and polar, with glutamine, which is neutral and polar, at codon 390 of the ZFPM2 protein (p.Lys390Gln). This variant is present in population databases (rs536096943, gnomAD 0.03%). This missense change has been observed in individual(s) with congenital diaphragmatic hernia (PMID: 31742715). ClinVar contains an entry for this variant (Variation ID: 633466). An algorithm developed to predict the effect of missense changes on protein structure and function (PolyPhen-2) suggests that this variant is likely to be disruptive. In summary, the available evidence is currently insufficient to determine the role of this variant in disease. Therefore, it has been classified as a Variant of Uncertain Significance.

Diagnostics Division, CENTRE FOR DNA FINGERPRINTING AND DIAGNOSTICS
Classification: Uncertain significance for Diaphragmatic hernia 3. Last evaluated: 2019-01-01. Review status: criteria provided, single submitter. Criteria: ACMG Guidelines, 2015. Collection method: research. Allele origin: germline. Affected: yes. Observed: 1 heterozygote.
Comment: Missense variant

Literature cited by the submitters: PubMed 31742715 (cited by Labcorp Genetics (formerly Invitae), Labcorp).

NM_012082.4(ZFPM2):c.1168A>C (p.Lys390Gln)

Genes: ZFPM2 (zinc finger protein, FOG family member 2; plus strand), ZFPM2-AS1 (ZFPM2 antisense RNA 1; minus strand). Cytogenetic location: 8q23.1.
Variant type: single nucleotide variant.
Coding change: c.1168A>C on transcript NM_012082.4 (MANE Select); coding-DNA position 1168, A replaced by C.
Protein change: p.Lys390Gln; replaces lysine 390 with glutamine.
Molecular consequence: missense variant.
Genome position (GRCh38, 1-based): chr8:105,801,250, A>C. VCF-style: chr8-105801250-A-C. GRCh37 (hg19) VCF-style: chr8-106813478-A-C.
Other names: c.1009A>C, p.Lys337Gln (NM_001362836.2); c.772A>C, p.Lys258Gln (NM_001362837.2); short protein forms K390Q, K258Q, K337Q.
Identifiers: ClinVar variation 633466 (VCV000633466.5), dbSNP rs536096943, ClinGen allele CA4839711.
Genomic context (GRCh38, chr8:105,801,250, plus strand): 5'-TTCGGCTTCCAGACTCAGAGGGAGTTATTGCAGCACCAGGAGCTCCATGTCCCTAGCGGC[A>C]AACTTCCCAGAGAAAGTGACATGGAACACTCTCCAAGTGCAACTGAAGACAGCTTACAGC-3'
Protein context (NP_036214.2, residues 380-400): QHQELHVPSG[Lys390Gln]LPRESDMEHS